The following is an entry in ClinVar:

ClinVar aggregate classification (germline): Uncertain significance (1 of 4 stars; one submission).

Conditions:
Congenital myasthenic syndrome 2A. Also called: Myasthenic syndrome, congenital, 2a, slow-channel. Identifiers: Orphanet 590, MedGen C4225374, MONDO:0014581, OMIM 616313.

Submission:

Labcorp Genetics (formerly Invitae), Labcorp
Classification: Uncertain significance for Congenital myasthenic syndrome 2A. Last evaluated: 2023-12-16. Review status: criteria provided, single submitter. Criteria: Invitae Variant Classification Sherloc (09022015). Collection method: clinical testing. Allele origin: germline.
Comment: This sequence change creates a premature translational stop signal (p.Trp460*) in the CHRNB1 gene. While this is not anticipated to result in nonsense mediated decay, it is expected to disrupt the last 42 amino acid(s) of the CHRNB1 protein. This variant is not present in population databases (gnomAD no frequency). This variant has not been reported in the literature in individuals affected with CHRNB1-related conditions. Experimental studies and prediction algorithms are not available or were not evaluated, and the functional significance of this variant is currently unknown. In summary, the available evidence is currently insufficient to determine the role of this variant in disease. Therefore, it has been classified as a Variant of Uncertain Significance.

NM_000747.3(CHRNB1):c.1380G>A (p.Trp460Ter)

Gene: CHRNB1 (cholinergic receptor nicotinic beta 1 subunit; plus strand). Cytogenetic location: 17p13.1.
Variant type: single nucleotide variant.
Coding change: c.1380G>A on transcript NM_000747.3 (MANE Select); coding-DNA position 1380, G replaced by A.
Protein change: p.Trp460Ter; replaces tryptophan 460 with a stop codon.
Molecular consequence: nonsense.
Genome position (GRCh38, 1-based): chr17:7,456,597, G>A. VCF-style: chr17-7456597-G-A. GRCh37 (hg19) VCF-style: chr17-7359916-G-A.
Other names: short protein forms W460*.
Identifiers: ClinVar variation 2703628 (VCV002703628.3), dbSNP rs2507876410, ClinGen allele CA397802928.